The following is an entry in ClinVar:

NM_001267550.2(TTN):c.12957G>A (p.Ala4319=)

Gene: TTN (titin; minus strand). Cytogenetic location: 2q31.2.
Variant type: single nucleotide variant.
Coding change: c.12957G>A on transcript NM_001267550.2 (MANE Select); coding-DNA position 12957, G replaced by A.
Protein change: p.Ala4319=; no amino-acid change (alanine 4319 retained).
Molecular consequence: synonymous variant. On other transcripts: intron variant (1).
Genome position (GRCh38, 1-based): chr2:178,740,276, C>T on the plus strand (G>A on the coding strand, the complement: TTN is on the minus strand). VCF-style: chr2-178740276-C-T. GRCh37 (hg19) VCF-style: chr2-179605003-C-T.
Other names: c.12006G>A, p.Ala4002= (NM_001256850.1); c.11868G>A, p.Ala3956= (NM_003319.4); c.12243G>A, p.Ala4081= (NM_133432.3); c.12444G>A, p.Ala4148= (NM_133437.4); c.10361-1916G>A (NM_133378.4).
Identifiers: ClinVar variation 499097 (VCV000499097.42), dbSNP rs762330685, ClinGen allele CA2002645.

ClinVar aggregate classification (germline): Conflicting classifications of pathogenicity. Review status: criteria provided, conflicting classifications (1 of 4 stars). 6 submissions from 6 submitters: Uncertain significance (1); Likely benign (4). 1 of the submissions does not count toward it. Last evaluated 2025-10-21.

Conditions:
TTN-related disorder. Also called: TTN-related condition; TTN-related disease; TTN-related disorders.
Cardiovascular phenotype. Identifiers: MedGen CN230736.
Dilated cardiomyopathy 1G (CMD1G). Identifiers: Orphanet 154, MedGen C1858763, MONDO:0011400, OMIM 604145.
Autosomal recessive limb-girdle muscular dystrophy type 2J (LGMDR10). Also called: Limb-girdle muscular dystrophy, type 2J; MUSCULAR DYSTROPHY, LIMB-GIRDLE, AUTOSOMAL RECESSIVE 10. Identifiers: Orphanet 140922, MedGen C1837342, MONDO:0012127, OMIM 608807.

Allele frequency attached by ClinVar (database versions not stated): gnomAD exomes 0.00004 and 0.00007; ExAC 0.00005; TOPMed 0.00008; gnomAD 0.00009 and 0.00010.
gnomAD v4.1: 75 of 1,613,494 alleles (0.0046%); highest among the groups gnomAD compares: Admixed American, 0.05%; 1 homozygote.

Submissions (6):

Labcorp Genetics (formerly Invitae), Labcorp
Classification: Likely benign for Dilated cardiomyopathy 1G; Autosomal recessive limb-girdle muscular dystrophy type 2J. Last evaluated: 2025-10-21. Review status: criteria provided, single submitter. Criteria: Invitae Variant Classification Sherloc (09022015). Collection method: clinical testing. Allele origin: germline.

Ambry Genetics
Classification: Likely benign for Cardiovascular phenotype. Last evaluated: 2023-02-16. Review status: criteria provided, single submitter. Criteria: Ambry Variant Classification Scheme 2023. Collection method: clinical testing. Allele origin: germline.

CeGaT Center for Human Genetics Tuebingen
Classification: Likely benign. Last evaluated: 2023-02-01. Review status: criteria provided, single submitter. Criteria: CeGaT Center For Human Genetics Tuebingen Variant Classification Criteria Version 2. Collection method: clinical testing. Allele origin: germline. Affected: yes. Observed: 1 variant allele.
Comment: TTN: BP4, BP7

Blueprint Genetics
Classification: Likely benign. Last evaluated: 2022-07-15. Review status: criteria provided, single submitter. Criteria: ACMG Guidelines, 2015. Collection method: clinical testing. Allele origin: germline.

Eurofins Ntd Llc (ga)
Classification: Uncertain significance. Last evaluated: 2017-01-04. Review status: criteria provided, single submitter. Criteria: EGL Classification Definitions 2015. Collection method: clinical testing. Allele origin: germline. Observed: 1 variant allele, 1 heterozygote.

PreventionGenetics, part of Exact Sciences
Classification: Likely benign for TTN-related condition. Last evaluated: 2020-12-31. Review status: no assertion criteria provided. Collection method: clinical testing. Allele origin: germline. Not counted in ClinVar's aggregate classification.
Comment: This variant is classified as likely benign based on ACMG/AMP sequence variant interpretation guidelines (Richards et al. 2015 PMID: 25741868, with internal and published modifications).